The following is an entry in ClinVar:

ClinVar aggregate classification (germline): Uncertain significance. Review status: criteria provided, multiple submitters, no conflicts (2 of 4 stars). 2 submissions from 2 submitters: Uncertain significance (2). Last evaluated 2025-11-25.

Conditions:
Hereditary cancer-predisposing syndrome. Also called: Tumor predisposition; Neoplastic Syndromes, Hereditary; Hereditary Cancer Syndrome; Hereditary neoplastic syndrome. Identifiers: Orphanet 140162, MedGen C0027672, MeSH D009386, MONDO:0015356.
Ataxia-telangiectasia syndrome (AT). Also called: ATAXIA-TELANGIECTASIA, COMPLEMENTATION GROUP A; ATAXIA-TELANGIECTASIA, FRESNO VARIANT; LOUIS-BAR SYNDROME; Ataxia telangiectasia (A-T); Cerebello-oculocutaneous telangiectasia; Immunodeficiency with ataxia telangiectasia. Identifiers: Orphanet 100, MedGen C0004135, MONDO:0008840, OMIM 208900.

gnomAD v4.1: 2 of 1,613,444 alleles (0.00012%); highest among the groups gnomAD compares: Non-Finnish European, 0.00017%; no homozygotes.

Submissions (2):

Labcorp Genetics (formerly Invitae), Labcorp
Classification: Uncertain significance for Ataxia-telangiectasia syndrome. Last evaluated: 2025-11-25. Review status: criteria provided, single submitter. Criteria: Invitae Variant Classification Sherloc (09022015). Collection method: clinical testing. Allele origin: germline.
Comment: This sequence change replaces glutamine, which is neutral and polar, with glutamic acid, which is acidic and polar, at codon 95 of the ATM protein (p.Gln95Glu). This variant is not present in population databases (gnomAD no frequency). This variant has not been reported in the literature in individuals affected with ATM-related conditions. ClinVar contains an entry for this variant (Variation ID: 628128). Invitae Evidence Modeling of protein sequence and biophysical properties (such as structural, functional, and spatial information, amino acid conservation, physicochemical variation, residue mobility, and thermodynamic stability) indicates that this missense variant is not expected to disrupt ATM protein function with a negative predictive value of 95%. In summary, the available evidence is currently insufficient to determine the role of this variant in disease. Therefore, it has been classified as a Variant of Uncertain Significance.

Color Diagnostics, LLC DBA Color Health
Classification: Uncertain significance for Hereditary cancer-predisposing syndrome. Last evaluated: 2018-10-05. Review status: criteria provided, single submitter. Criteria: ACMG Guidelines, 2015. Collection method: clinical testing. Allele origin: germline.

NM_000051.4(ATM):c.283C>G (p.Gln95Glu)

Gene: ATM (ATM serine/threonine kinase; plus strand). Cytogenetic location: 11q22.3.
Variant type: single nucleotide variant.
Coding change: c.283C>G on transcript NM_000051.4 (MANE Select); coding-DNA position 283, C replaced by G.
Protein change: p.Gln95Glu; replaces glutamine 95 with glutamic acid.
Molecular consequence: missense variant.
Genome position (GRCh38, 1-based): chr11:108,229,275, C>G. VCF-style: chr11-108229275-C-G. GRCh37 (hg19) VCF-style: chr11-108100002-C-G.
Other names: c.283C>G, p.Gln95Glu (NM_001351834.2, NM_001351835.2, NM_001351836.2); short protein forms Q95E.
Identifiers: ClinVar variation 628128 (VCV000628128.10), dbSNP rs587781545, ClinGen allele CA382521697.